The following is an entry in ClinVar:

NM_000218.3(KCNQ1):c.3G>A (p.Met1Ile)

Gene: KCNQ1 (potassium voltage-gated channel subfamily Q member 1; plus strand). Cytogenetic location: 11p15.5.
Variant type: single nucleotide variant.
Coding change: c.3G>A on transcript NM_000218.3 (MANE Select); coding-DNA position 3, G replaced by A.
Protein change: p.Met1Ile; changes the start codon (methionine 1).
Molecular consequence: missense variant, initiator codon variant. On other transcripts: 5 prime UTR variant (1).
Genome position (GRCh38, 1-based): chr11:2,445,101, G>A. VCF-style: chr11-2445101-G-A. GRCh37 (hg19) VCF-style: chr11-2466331-G-A.
Other names: c.3G>A, p.Met1Ile (NM_001406836.1, NM_001406838.1); c.-360G>A (NM_001406837.1); short protein forms M1I.
Identifiers: ClinVar variation 4888427 (VCV004888427.1).
Genomic context (GRCh38, chr11:2,445,101, plus strand): 5'-TTCGCTGCAGCTCCCGGTGCCGCCGCTCGGGCCGGCCCCCCGGCAGGCCCTCCTCGTTAT[G>A]GCCGCGGCCTCCTCCCCGCCCAGGGCCGAGAGGAAGCGCTGGGGTTGGGGCCGCCTGCCA-3'
Protein context (NP_000209.2, residues 1-11): [Met1Ile]AAASSPPRAE

ClinVar aggregate classification (germline): Likely pathogenic (1 of 4 stars; one submission).

Conditions:
Long QT syndrome 1 (LQT1). Identifiers: Orphanet 101016, Orphanet 768, MedGen C4551647, MONDO:0100316, OMIM 192500, MONDO:0008646.

Submission:

New York Genome Center
Classification: Likely pathogenic for Long QT syndrome 1. Last evaluated: 2025-06-11. Review status: criteria provided, single submitter. Criteria: NYGC Assertion Criteria 2020. Collection method: clinical testing. Allele origin: inherited. Observed: 1 variant allele, 1 heterozygote.
Comment: The heterozygous c.3G>A, p.(Met1?) variant in KCNQ1 abolishes the native ATG protein translation initiation codon. Possible consequences of losing the native translation initiation site include no protein translation, usage of an out of frame ATG sequence, or usage of an in-frame ATG downstream of the native start site. Loss of protein translation or usage of an out of frame ATG would both result in loss of function while usage of an alternate in-frame initiation codon would create a protein lacking the amino acid sequence between p.Met1 and the new start Met residue. The next in frame initiation codon is found at amino acid residue Met159, utilization of which would remove the first 158 amino acids from the KCNQ1 protein. The c.3G>A variant has not previously been reported in the literature or public variant repositories (ClinVar) and is absent from population databases (gnomAD v4.1.0), suggesting it is not a common benign variant in the populations represented in those databases. A different variant of the initiation codon, c.2T>C, p.(Met1?) has been observed in affected individuals with KCNQ1 related LQTS and JLNS syndromes [PMID: 21380488, 26496715] and in-vitro functional studies of this variant suggest that protein translation is initiated at Met159. This abbreviated protein demonstrates loss of function due to impaired trafficking defect and mislocalization of the protein, preventing it from reaching the cell membrane where it should normally be found [PMID: 21380488]. The net effect of the c.3G>A variant observed here is expected to be similar to that of the experimentally tested c.2T>C variant and result in loss of function. Based on the available evidence, this heterozygous start lost variant c.3G>A, p.(Met1?) variant identified in KCNQ1 is classified as Likely Pathogenic.